The following is an entry in ClinVar:

NM_001606.5(ABCA2):c.4128G>A (p.Ala1376=)

Gene: ABCA2 (ATP binding cassette subfamily A member 2; minus strand). Cytogenetic location: 9q34.3.
Variant type: single nucleotide variant.
Coding change: c.4128G>A on transcript NM_001606.5 (MANE Select); coding-DNA position 4128, G replaced by A.
Protein change: p.Ala1376=; no amino-acid change (alanine 1376 retained).
Molecular consequence: synonymous variant.
Genome position (GRCh38, 1-based): chr9:137,014,280, C>T on the plus strand (G>A on the coding strand, the complement: ABCA2 is on the minus strand). VCF-style: chr9-137014280-C-T. GRCh37 (hg19) VCF-style: chr9-139908732-C-T.
Other names: c.4218G>A, p.Ala1406= (NM_212533.3).
Identifiers: ClinVar variation 753030 (VCV000753030.28), dbSNP rs201737470, ClinGen allele CA5354512.
Genomic context (GRCh38, chr9:137,014,280, plus strand): 5'-GTCGCCATAGACGTCGGTGTAGCCAGCTCCCTCGTCGCCACGGGCAGAGCCCACAGATGA[C>T]GCCGACTGCAGCGATGCCTGCGACTGGGTCAGCTCCGAGCACCGGGCCAGATTGCCAGCG-3'
Protein context (NP_001597.2, residues 1366-1386): LTQSQASLQS[Ala1376=]SSVGSARGDE

ClinVar aggregate classification (germline): Likely benign. Review status: criteria provided, multiple submitters, no conflicts (2 of 4 stars). 4 submissions from 4 submitters: Likely benign (4). Last evaluated 2025-05-01.

Allele frequency attached by ClinVar (database versions not stated): 1000 Genomes Project 30x 0.00016; 1000 Genomes Project 0.00020; gnomAD 0.00041 and 0.00043; gnomAD exomes 0.00042 and 0.00044; TOPMed 0.00043; ESP Exome Variant Server 0.00062; ExAC 0.00065.
gnomAD v4.1: 676 of 1,611,334 alleles (0.042%); highest among the groups gnomAD compares: Middle Eastern, 0.2%; no homozygotes.

Submissions (4):

CeGaT Center for Human Genetics Tuebingen
Classification: Likely benign. Last evaluated: 2025-05-01. Review status: criteria provided, single submitter. Criteria: CeGaT Center For Human Genetics Tuebingen Variant Classification Criteria Version 2. Collection method: clinical testing. Allele origin: germline. Affected: yes. Observed: 5 variant alleles.
Comment: ABCA2: BP4, BP7

Blueprint Genetics
Classification: Likely benign. Last evaluated: 2024-08-16. Review status: criteria provided, single submitter. Criteria: ACMG Guidelines, 2015. Collection method: clinical testing. Allele origin: germline.

Labcorp Genetics (formerly Invitae), Labcorp
Classification: Likely benign. Last evaluated: 2019-01-03. Review status: criteria provided, single submitter. Criteria: Invitae Variant Classification Sherloc (09022015). Collection method: clinical testing. Allele origin: germline.

Breakthrough Genomics
Classification: Likely benign. Review status: criteria provided, single submitter. Criteria: ACMG Guidelines, 2015. Collection method: not provided. Allele origin: germline. Inheritance: Autosomal recessive inheritance. Affected: yes.